The following is an entry in ClinVar:

ClinVar aggregate classification (germline): Uncertain significance. Review status: criteria provided, multiple submitters, no conflicts (2 of 4 stars). 2 submissions from 2 submitters: Uncertain significance (2). Last evaluated 2022-10-08.

Conditions:
Bethlem myopathy 1A. Also called: MYOPATHY, BENIGN CONGENITAL, WITH CONTRACTURES; Bethlem myopathy 1; Bethlem Muscular Dystrophy. Identifiers: Orphanet 610, MedGen CN029274, MONDO:0024530, OMIM 158810.

Allele frequency attached by ClinVar (database versions not stated): gnomAD exomes below 0.00001.
gnomAD v4.1: 3 of 1,614,158 alleles (0.00019%); highest among the groups gnomAD compares: Non-Finnish European, 0.00025%; no homozygotes.

Submissions (2):

Labcorp Genetics (formerly Invitae), Labcorp
Classification: Uncertain significance for Bethlem myopathy 1A. Last evaluated: 2022-10-08. Review status: criteria provided, single submitter. Criteria: Invitae Variant Classification Sherloc (09022015). Collection method: clinical testing. Allele origin: germline.
Comment: This sequence change replaces alanine, which is neutral and non-polar, with valine, which is neutral and non-polar, at codon 2561 of the COL6A3 protein (p.Ala2561Val). This variant is present in population databases (no rsID available, gnomAD 0.0009%). This variant has not been reported in the literature in individuals affected with COL6A3-related conditions. Advanced modeling of protein sequence and biophysical properties (such as structural, functional, and spatial information, amino acid conservation, physicochemical variation, residue mobility, and thermodynamic stability) performed at Invitae indicates that this missense variant is not expected to disrupt COL6A3 protein function. In summary, the available evidence is currently insufficient to determine the role of this variant in disease. Therefore, it has been classified as a Variant of Uncertain Significance.

Revvity Omics, Revvity
Classification: Uncertain significance. Last evaluated: 2021-04-08. Review status: criteria provided, single submitter. Criteria: ACMG Guidelines, 2015. Collection method: clinical testing. Allele origin: germline.

NM_004369.4(COL6A3):c.7682C>T (p.Ala2561Val)

Gene: COL6A3 (collagen type VI alpha 3 chain; minus strand). Cytogenetic location: 2q37.3.
Variant type: single nucleotide variant.
Coding change: c.7682C>T on transcript NM_004369.4 (MANE Select); coding-DNA position 7682, C replaced by T.
Protein change: p.Ala2561Val; replaces alanine 2561 with valine.
Molecular consequence: missense variant.
Genome position (GRCh38, 1-based): chr2:237,342,148, G>A on the plus strand (C>T on the coding strand, the complement: COL6A3 is on the minus strand). VCF-style: chr2-237342148-G-A. GRCh37 (hg19) VCF-style: chr2-238250791-G-A.
Other names: c.5861C>T, p.Ala1954Val (NM_057166.5); c.7064C>T, p.Ala2355Val (NM_057167.4); short protein forms A2355V, A2561V, A1954V.
Identifiers: ClinVar variation 1941278 (VCV001941278.8), dbSNP rs1423559272, ClinGen allele CA351200010.